The following is an entry in ClinVar:

ClinVar aggregate classification (germline): Pathogenic (1 of 4 stars; one submission).

Conditions:
Weill-Marchesani syndrome 3 (WMS3). Also called: Weill-Marchesani syndrome 3, recessive; LTBP2-Related Weill-Marchesani Syndrome. Identifiers: Orphanet 3449, MedGen C3553785, MONDO:0013899, OMIM 614819.

Submission:

3billion
Classification: Pathogenic for Weill-Marchesani syndrome 3. Last evaluated: 2025-08-13. Review status: criteria provided, single submitter. Criteria: ACMG Guidelines, 2015. Collection method: clinical testing. Allele origin: germline. Affected: yes.
Comment: The variant is not observed in the gnomAD v4.1.0 dataset. Predicted Consequence/Location: Frameshift: predicted to result in a loss or disruption of normal protein function through nonsense-mediated decay (NMD) or protein truncation. Multiple pathogenic variants are reported downstream of the variant. Therefore, this variant is classified as Pathogenic according to the recommendation of ACMG/AMP guideline.

NM_000428.3(LTBP2):c.3386del (p.Leu1129fs)

Gene: LTBP2 (latent transforming growth factor beta binding protein 2; minus strand). Cytogenetic location: 14q24.3.
Variant type: Deletion.
Coding change: c.3386del on transcript NM_000428.3 (MANE Select); coding-DNA position 3386, one base deleted (T; older notation c.3386delT).
Protein change: p.Leu1129fs; shifts the reading frame from leucine 1129.
Molecular consequence: frameshift variant.
Genome position (GRCh38, 1-based): chr14:74,509,255, A deleted on the plus strand (T on the coding strand, the reverse complement: LTBP2 is on the minus strand). VCF-style (leftmost placement, unchanged base first): chr14-74509254-CA-C. GRCh37 (hg19) VCF-style: chr14-74975957-CA-C.
Other names: short protein forms L1129fs.
Identifiers: ClinVar variation 4854404 (VCV004854404.1).